The following is an entry in ClinVar:

NM_005276.4(GPD1):c.398C>T (p.Ser133Leu)

Gene: GPD1 (glycerol-3-phosphate dehydrogenase 1; plus strand). Cytogenetic location: 12q13.12.
Variant type: single nucleotide variant.
Coding change: c.398C>T on transcript NM_005276.4 (MANE Select); coding-DNA position 398, C replaced by T.
Protein change: p.Ser133Leu; replaces serine 133 with leucine.
Molecular consequence: missense variant.
Genome position (GRCh38, 1-based): chr12:50,106,325, C>T. VCF-style: chr12-50106325-C-T. GRCh37 (hg19) VCF-style: chr12-50500108-C-T.
Other names: c.329C>T, p.Ser110Leu (NM_001257199.2); short protein forms S110L, S133L.
Identifiers: ClinVar variation 1325834 (VCV001325834.13), dbSNP rs184522376, ClinGen allele CA6561581.
Genomic context (GRCh38, chr12:50,106,325, plus strand): 5'-CCTGAGCTCCATCCTGTGCTCAGGGGGTAGACGAGGGCCCCAATGGGCTGAAGCTCATCT[C>T]GGAAGTGATTGGGGAGCGCCTCGGCATCCCCATGAGTGTGCTGATGGGGGCCAACATTGC-3'
Protein context (NP_005267.2, residues 123-143): DEGPNGLKLI[Ser133Leu]EVIGERLGIP

ClinVar aggregate classification (germline): Conflicting classifications of pathogenicity. Review status: criteria provided, conflicting classifications (1 of 4 stars). 5 submissions from 5 submitters: Likely pathogenic (3); Uncertain significance (2). Last evaluated 2026-08-01.

Conditions:
Transient infantile hypertriglyceridemia and hepatosteatosis. Identifiers: Orphanet 300293, MedGen C3280953, MONDO:0013771, OMIM 614480.

Allele frequency attached by ClinVar (database versions not stated): ExAC 0.00005; 1000 Genomes Project 30x 0.00016; 1000 Genomes Project 0.00020; gnomAD 0.00003 and 0.00004; TOPMed 0.00003; gnomAD exomes 0.00004.

Submissions (5):

CeGaT Center for Human Genetics Tuebingen
Classification: Likely pathogenic. Last evaluated: 2026-08-01. Review status: criteria provided, single submitter. Criteria: CeGaT Center For Human Genetics Tuebingen Variant Classification Criteria Version 2. Collection method: clinical testing. Allele origin: germline. Affected: yes. Observed: 6 variant alleles.
Comment: GPD1: PM3:Strong, PM2, PP1:Moderate

Neuberg Centre For Genomic Medicine, NCGM
Classification: Uncertain significance for Transient infantile hypertriglyceridemia and hepatosteatosis. Last evaluated: 2023-02-14. Review status: criteria provided, single submitter. Criteria: ACMG Guidelines, 2015. Collection method: clinical testing. Allele origin: germline. Inheritance: Autosomal recessive inheritance. Affected: yes.
Comment: The missense variant in c.398C>T (p.Ser133Leu) in GPD1 gene has been reported to the ClinVar database as Likely Pathogenic / Uncertain significance, but no details are available for independent assessment. The p.Ser133Leu variant is reported with an allele frequency of 0.004% in the gnomAD exomes database and is novel (not in any individuals) in 1000 Genomes database. The amino acid change p.Ser133Leu in GPD1 is predicted as conserved by GERP++ and PhyloP across 100 vertebrates. The amino acid Ser at position 133 is changed to a Leu changing protein sequence and it might alter its composition and physico-chemical properties. For these reasons, this variant has been classified as Uncertain Significance (VUS).

Institute of Human Genetics, University of Leipzig Medical Center
Classification: Likely pathogenic for Transient infantile hypertriglyceridemia and hepatosteatosis. Last evaluated: 2022-04-12. Review status: criteria provided, single submitter. Criteria: ACMG Guidelines, 2015. Collection method: clinical testing. Allele origin: biparental. Affected: yes.
Comment: detected homozygouse in affected sibling_x000D_ Criteria applied: PM3_STR, PM2_SUP, PP3

Labcorp Genetics (formerly Invitae), Labcorp
Classification: Uncertain significance. Last evaluated: 2021-08-14. Review status: criteria provided, single submitter. Criteria: Invitae Variant Classification Sherloc (09022015). Collection method: clinical testing. Allele origin: germline.
Comment: This sequence change replaces serine with leucine at codon 133 of the GPD1 protein (p.Ser133Leu). The serine residue is highly conserved and there is a large physicochemical difference between serine and leucine. This variant is present in population databases (rs184522376, ExAC 0.01%). This variant has not been reported in the literature in individuals affected with GPD1-related conditions. Algorithms developed to predict the effect of missense changes on protein structure and function are either unavailable or do not agree on the potential impact of this missense change (SIFT: "Deleterious"; PolyPhen-2: "Probably Damaging"; Align-GVGD: "Class C0"). In summary, the available evidence is currently insufficient to determine the role of this variant in disease. Therefore, it has been classified as a Variant of Uncertain Significance.

Juno Genomics, Hangzhou Juno Genomics, Inc
Classification: Likely pathogenic for Transient infantile hypertriglyceridemia and hepatosteatosis. Review status: criteria provided, single submitter. Criteria: ACMG Guidelines, 2015. Collection method: clinical testing. Allele origin: germline.
Comment: Absent from controls (or at extremely low frequency if recessive) in Genome Aggregation Database.;Multiple lines of computational evidence support a deleterious effect on the gene or gene product.;For recessive disorders, detected in trans with a pathogenic variant.;Patient's phenotype or family history is highly specific for a disease with a single genetic etiology.